The following is an entry in ClinVar:

NM_001253697.2(ERBIN):c.3662A>C (p.Asp1221Ala)

Gene: ERBIN (erbb2 interacting protein; plus strand). Cytogenetic location: 5q12.3.
Variant type: single nucleotide variant.
Coding change: c.3662A>C on transcript NM_001253697.2 (MANE Select); coding-DNA position 3662, A replaced by C.
Protein change: p.Asp1221Ala; replaces aspartic acid 1221 with alanine.
Molecular consequence: missense variant. On other transcripts: intron variant (5).
Genome position (GRCh38, 1-based): chr5:66,072,197, A>C. VCF-style: chr5-66072197-A-C. GRCh37 (hg19) VCF-style: chr5-65368025-A-C.
Other names: c.3778-2827A>C (NM_001253699.2); c.3634-2827A>C (NM_018695.4, NM_001253698.2); c.3634-4119A>C (NM_001006600.3); c.3622-2827A>C (NM_001253701.2); short protein forms D1221A.
Identifiers: ClinVar variation 2003658 (VCV002003658.4), dbSNP rs2546876373, ClinGen allele CA359870661.
Genomic context (GRCh38, chr5:66,072,197, plus strand): 5'-TATTTGTTTACTTTTTATTTCCTGCTCATTAGAAGCATCCCCAGACATCCAGTTCAGGAG[A>C]TCCTTGTCAAGATGGTATATTCATTTCAGGACAGCAGAACTACTCATCAGCCACACTTAG-3'
Protein context (NP_001240626.1, residues 1211-1231): KKHPQTSSSG[Asp1221Ala]PCQDGIFISG

ClinVar aggregate classification (germline): Uncertain significance (1 of 4 stars; one submission).

Submission:

Labcorp Genetics (formerly Invitae), Labcorp
Classification: Uncertain significance. Last evaluated: 2022-06-08. Review status: criteria provided, single submitter. Criteria: Invitae Variant Classification Sherloc (09022015). Collection method: clinical testing. Allele origin: germline.
Comment: Algorithms developed to predict the effect of missense changes on protein structure and function are either unavailable or do not agree on the potential impact of this missense change (SIFT: "Deleterious"; PolyPhen-2: "Benign"; Align-GVGD: "Class C0"). In summary, the available evidence is currently insufficient to determine the role of this variant in disease. Therefore, it has been classified as a Variant of Uncertain Significance. This variant has not been reported in the literature in individuals affected with ERBIN-related conditions. This variant is not present in population databases (gnomAD no frequency). This sequence change replaces aspartic acid, which is acidic and polar, with alanine, which is neutral and non-polar, at codon 1221 of the ERBIN protein (p.Asp1221Ala).